The following is an entry in ClinVar:

NM_032447.5(FBN3):c.1466-5C>T

Gene: FBN3 (fibrillin 3; minus strand). Cytogenetic location: 19p13.2.
Variant type: single nucleotide variant.
Coding change: c.1466-5C>T on transcript NM_032447.5 (MANE Select); 5 bases into the intron before coding-DNA position 1466, C replaced by T.
Molecular consequence: intron variant.
Genome position (GRCh38, 1-based): chr19:8,136,091, G>A on the plus strand (C>T on the coding strand, the complement: FBN3 is on the minus strand). VCF-style: chr19-8136091-G-A. GRCh37 (hg19) VCF-style: chr19-8200975-G-A.
Other names: c.1466-5C>T (NM_001321431.2, NM_001321431.1).
Identifiers: ClinVar variation 1604554 (VCV001604554.10), dbSNP rs201975904, ClinGen allele CA9153295.

ClinVar aggregate classification (germline): Benign. Review status: criteria provided, single submitter (1 of 4 stars). 2 submissions from 2 submitters: Benign (1). 1 of the submissions does not count toward it. Last evaluated 2025-06-12.

Conditions:
FBN3-related disorder. Also called: FBN3-related condition.

Allele frequency attached by ClinVar (database versions not stated): gnomAD exomes 0.00014; ExAC 0.00028; 1000 Genomes Project 30x 0.00047; 1000 Genomes Project 0.00060; gnomAD 0.00075 and 0.00081; TOPMed 0.00095; ESP Exome Variant Server 0.00108.
gnomAD v4.1: 333 of 1,613,750 alleles (0.021%); highest among the groups gnomAD compares: African/African-American, 0.28%; no homozygotes.

Submissions (2):

Labcorp Genetics (formerly Invitae), Labcorp
Classification: Benign. Last evaluated: 2025-06-12. Review status: criteria provided, single submitter. Criteria: Invitae Variant Classification Sherloc (09022015). Collection method: clinical testing. Allele origin: germline.

PreventionGenetics, part of Exact Sciences
Classification: Likely benign for FBN3-related condition. Last evaluated: 2020-01-20. Review status: no assertion criteria provided. Collection method: clinical testing. Allele origin: germline. Not counted in ClinVar's aggregate classification.
Comment: This variant is classified as likely benign based on ACMG/AMP sequence variant interpretation guidelines (Richards et al. 2015 PMID: 25741868, with internal and published modifications).